The following is an entry in ClinVar:

NM_001083961.2(WDR62):c.1768+18C>T

Gene: WDR62 (WD repeat domain 62; plus strand). Cytogenetic location: 19q13.12.
Variant type: single nucleotide variant.
Coding change: c.1768+18C>T on transcript NM_001083961.2 (MANE Select); 18 bases into the intron after coding-DNA position 1768, C replaced by T.
Molecular consequence: intron variant.
Genome position (GRCh38, 1-based): chr19:36,086,830, C>T. VCF-style: chr19-36086830-C-T. GRCh37 (hg19) VCF-style: chr19-36577732-C-T.
Other names: c.1768+18C>T (NM_173636.5).
Identifiers: ClinVar variation 387666 (VCV000387666.9), dbSNP rs200186710, ClinGen allele CA9395712.

ClinVar aggregate classification (germline): Likely benign. Review status: criteria provided, multiple submitters, no conflicts (2 of 4 stars). 2 submissions from 2 submitters: Likely benign (2). Last evaluated 2025-12-16.

Allele frequency attached by ClinVar (database versions not stated): 1000 Genomes Project 0.00040; 1000 Genomes Project 30x 0.00047; gnomAD 0.00057 and 0.00058; ESP Exome Variant Server 0.00062; TOPMed 0.00065; ExAC 0.00080.
gnomAD v4.1: 1,311 of 1,606,536 alleles (0.082%); highest among the groups gnomAD compares: Non-Finnish European, 0.1%; 2 homozygotes.

Submissions (2):

Labcorp Genetics (formerly Invitae), Labcorp
Classification: Likely benign. Last evaluated: 2025-12-16. Review status: criteria provided, single submitter. Criteria: Invitae Variant Classification Sherloc (09022015). Collection method: clinical testing. Allele origin: germline.

GeneDx
Classification: Likely benign. Last evaluated: 2017-06-23. Review status: criteria provided, single submitter. Criteria: GeneDx Variant Classification (06012015). Collection method: clinical testing. Allele origin: germline. Affected: yes.
Comment: This variant is considered likely benign or benign based on one or more of the following criteria: it is a conservative change, it occurs at a poorly conserved position in the protein, it is predicted to be benign by multiple in silico algorithms, and/or has population frequency not consistent with disease.